The following is an entry in ClinVar:

NM_004329.3(BMPR1A):c.68-20A>G

Gene: BMPR1A (bone morphogenetic protein receptor type 1A; plus strand). Cytogenetic location: 10q23.2.
Variant type: single nucleotide variant.
Coding change: c.68-20A>G on transcript NM_004329.3 (MANE Select); 20 bases into the intron before coding-DNA position 68, A replaced by G.
Molecular consequence: intron variant.
Genome position (GRCh38, 1-based): chr10:86,890,042, A>G. VCF-style: chr10-86890042-A-G. GRCh37 (hg19) VCF-style: chr10-88649799-A-G.
Identifiers: ClinVar variation 489699 (VCV000489699.7), dbSNP rs750599523, ClinGen allele CA5585426.
Genomic context (GRCh38, chr10:86,890,042, plus strand): 5'-ACTTTTTCTCATTGAAAATTGTCACGAAACAATGAGCTTTTCAGAAATGATTTACTTACA[A>G]ATTCCATATTTGAATGCAGGACAGAATCTGGATAGTATGCTTCATGGCACTGGGATGAAA-3'

ClinVar aggregate classification (germline): Uncertain significance. Review status: criteria provided, multiple submitters, no conflicts (2 of 4 stars). 3 submissions from 3 submitters: Uncertain significance (3). Last evaluated 2023-10-03.

Conditions:
Juvenile polyposis syndrome (JPS). Identifiers: Orphanet 2929, MedGen C0345893, MONDO:0017380, OMIM 174900.
Hereditary cancer-predisposing syndrome. Also called: Tumor predisposition; Neoplastic Syndromes, Hereditary; Hereditary Cancer Syndrome; Hereditary neoplastic syndrome. Identifiers: Orphanet 140162, MedGen C0027672, MeSH D009386, MONDO:0015356.
Polyposis syndrome, hereditary mixed, 2. Identifiers: Orphanet 157794, MedGen C1864730, MONDO:0012405, OMIM 610069.

Allele frequency attached by ClinVar (database versions not stated): gnomAD exomes below 0.00001 and 0.00001; TOPMed below 0.00001; ExAC 0.00001; gnomAD 0.00001.
gnomAD v4.1: 4 of 1,611,786 alleles (0.00025%); highest among the groups gnomAD compares: South Asian, 0.0011%; no homozygotes.

Submissions (3):

Labcorp Genetics (formerly Invitae), Labcorp
Classification: Uncertain significance for Juvenile polyposis syndrome. Last evaluated: 2023-10-03. Review status: criteria provided, single submitter. Criteria: Invitae Variant Classification Sherloc (09022015). Collection method: clinical testing. Allele origin: germline.
Comment: This sequence change falls in intron 3 of the BMPR1A gene. It does not directly change the encoded amino acid sequence of the BMPR1A protein. This variant is present in population databases (rs750599523, gnomAD 0.003%). This variant has not been reported in the literature in individuals affected with BMPR1A-related conditions. ClinVar contains an entry for this variant (Variation ID: 489699). Algorithms developed to predict the effect of sequence changes on RNA splicing suggest that this variant may create or strengthen a splice site. In summary, the available evidence is currently insufficient to determine the role of this variant in disease. Therefore, it has been classified as a Variant of Uncertain Significance.

Baylor Genetics
Classification: Uncertain significance for Polyposis syndrome, hereditary mixed, 2. Last evaluated: 2022-04-29. Review status: criteria provided, single submitter. Criteria: ACMG Guidelines, 2015. Collection method: clinical testing. Allele origin: unknown.

Color Diagnostics, LLC DBA Color Health
Classification: Uncertain significance for Hereditary cancer-predisposing syndrome. Last evaluated: 2018-08-24. Review status: criteria provided, single submitter. Criteria: ACMG Guidelines, 2015. Collection method: clinical testing. Allele origin: germline.